The following is an entry in ClinVar:

ClinVar aggregate classification (germline): Likely benign. Review status: criteria provided, multiple submitters, no conflicts (2 of 4 stars). 2 submissions from 2 submitters: Likely benign (2). Last evaluated 2026-06-01.

Conditions:
Wilson disease (WND). Also called: Wilson's disease. Identifiers: Orphanet 905, MedGen C0019202, MONDO:0010200, OMIM 277900. Disease mechanism: loss of function.

Allele frequency attached by ClinVar (database versions not stated): ExAC 0.00001.
gnomAD v4.1: 8 of 1,614,128 alleles (0.0005%); highest among the groups gnomAD compares: East Asian, 0.0045%; no homozygotes.

Submissions (2):

CeGaT Center for Human Genetics Tuebingen
Classification: Likely benign. Last evaluated: 2026-06-01. Review status: criteria provided, single submitter. Criteria: CeGaT Center For Human Genetics Tuebingen Variant Classification Criteria Version 2. Collection method: clinical testing. Allele origin: germline. Affected: yes. Observed: 1 variant allele.
Comment: ATP7B: BP4, BP7

Labcorp Genetics (formerly Invitae), Labcorp
Classification: Likely benign for Wilson disease. Last evaluated: 2025-12-02. Review status: criteria provided, single submitter. Criteria: Invitae Variant Classification Sherloc (09022015). Collection method: clinical testing. Allele origin: germline.

NM_000053.4(ATP7B):c.945C>T (p.Ile315=)

Gene: ATP7B (ATPase copper transporting beta; minus strand). Cytogenetic location: 13q14.3.
Variant type: single nucleotide variant.
Coding change: c.945C>T on transcript NM_000053.4 (MANE Select); coding-DNA position 945, C replaced by T.
Protein change: p.Ile315=; no amino-acid change (isoleucine 315 retained).
Molecular consequence: synonymous variant. On other transcripts: intron variant (1).
Genome position (GRCh38, 1-based): chr13:51,974,275, G>A on the plus strand (C>T on the coding strand, the complement: ATP7B is on the minus strand). VCF-style: chr13-51974275-G-A. GRCh37 (hg19) VCF-style: chr13-52548411-G-A.
Other names: c.945C>T, p.Ile315= (NM_001005918.3, NM_001330578.2, NM_001330579.2); c.802+143C>T (NM_001243182.2).
Identifiers: ClinVar variation 1102410 (VCV001102410.11), dbSNP rs776855440, ClinGen allele CA6989470.